The following is an entry in ClinVar:

ClinVar aggregate classification (germline): Uncertain significance (1 of 4 stars; one submission).

Conditions:
Dilated cardiomyopathy 1J (CMD1J). Also called: CARDIOMYOPATHY, DILATED, WITH SENSORINEURAL HEARING LOSS, AUTOSOMAL DOMINANT. Identifiers: Orphanet 217622, MedGen C1854368, MONDO:0011541, OMIM 605362.

Allele frequency attached by ClinVar (database versions not stated): gnomAD exomes below 0.00001; gnomAD 0.00001; TOPMed 0.00001.
gnomAD v4.1: 19 of 1,613,974 alleles (0.0012%); highest among the groups gnomAD compares: Non-Finnish European, 0.0015%; no homozygotes.

Submission:

Labcorp Genetics (formerly Invitae), Labcorp
Classification: Uncertain significance for Dilated cardiomyopathy 1J. Last evaluated: 2023-11-24. Review status: criteria provided, single submitter. Criteria: Invitae Variant Classification Sherloc (09022015). Collection method: clinical testing. Allele origin: germline.
Comment: This sequence change replaces asparagine, which is neutral and polar, with serine, which is neutral and polar, at codon 358 of the EYA4 protein (p.Asn358Ser). This variant is present in population databases (no rsID available, gnomAD 0.002%). This variant has not been reported in the literature in individuals affected with EYA4-related conditions. ClinVar contains an entry for this variant (Variation ID: 945134). Algorithms developed to predict the effect of missense changes on protein structure and function output the following: SIFT: "Not Available"; PolyPhen-2: "Benign"; Align-GVGD: "Not Available". The serine amino acid residue is found in multiple mammalian species, which suggests that this missense change does not adversely affect protein function. In summary, the available evidence is currently insufficient to determine the role of this variant in disease. Therefore, it has been classified as a Variant of Uncertain Significance.

NM_004100.5(EYA4):c.1073A>G (p.Asn358Ser)

Gene: EYA4 (EYA transcriptional coactivator and phosphatase 4; plus strand). Cytogenetic location: 6q23.2.
Variant type: single nucleotide variant.
Coding change: c.1073A>G on transcript NM_004100.5 (MANE Select); coding-DNA position 1073, A replaced by G.
Protein change: p.Asn358Ser; replaces asparagine 358 with serine.
Molecular consequence: missense variant.
Genome position (GRCh38, 1-based): chr6:133,481,565, A>G. VCF-style: chr6-133481565-A-G. GRCh37 (hg19) VCF-style: chr6-133802703-A-G.
Other names: c.911A>G, p.Asn304Ser (NM_001301012.2); c.1091A>G, p.Asn364Ser (NM_001301013.2); c.1004A>G, p.Asn335Ser (NM_001370458.1, NM_172103.4); c.929A>G, p.Asn310Ser (NM_001370459.1); c.1073A>G, p.Asn358Ser (NM_172105.4); short protein forms N304S, N364S, N310S, N358S, N335S.
Identifiers: ClinVar variation 945134 (VCV000945134.9), dbSNP rs1198001216, ClinGen allele CA365706514.